The following is an entry in ClinVar:

ClinVar aggregate classification (germline): Uncertain significance (1 of 4 stars; one submission).

Conditions:
VPS13B-related disorder. Also called: VPS13B-related condition.

Submission:

PreventionGenetics, part of Exact Sciences
Classification: Uncertain significance for VPS13B-related condition. Last evaluated: 2025-09-17. Review status: criteria provided, single submitter. Criteria: ACMG Guidelines, 2015. Collection method: clinical testing. Allele origin: germline.
Comment: The VPS13B c.5006C>T variant is predicted to result in the amino acid substitution p.Ser1669Phe. To our knowledge, this variant has not been reported in the literature or in a large population database (gnomAD), indicating this variant is rare. At this time, the clinical significance of this variant is uncertain due to the absence of conclusive functional and genetic evidence.

NM_152564.5(VPS13B):c.5006C>T (p.Ser1669Phe)

Gene: VPS13B (vacuolar protein sorting 13 homolog B; plus strand). Cytogenetic location: 8q22.2.
Variant type: single nucleotide variant.
Coding change: c.5006C>T on transcript NM_152564.5 (MANE Select); coding-DNA position 5006, C replaced by T.
Protein change: p.Ser1669Phe; replaces serine 1669 with phenylalanine.
Molecular consequence: missense variant.
Genome position (GRCh38, 1-based): chr8:99,575,714, C>T. VCF-style: chr8-99575714-C-T. GRCh37 (hg19) VCF-style: chr8-100587942-C-T.
Other names: c.5081C>T, p.Ser1694Phe (NM_017890.5); short protein forms S1669F, S1694F.
Identifiers: ClinVar variation 4978112 (VCV004978112.1).
Genomic context (GRCh38, chr8:99,575,714, plus strand): 5'-TTAGCATACGGCGGCATCAAGAAAGGAGAGCAATTTTGACCCCCGTTTTGACAGATTTTT[C>T]TGTCCGAATAACTGGAGCACCTGCTGTCATTTTCACCAAAGTAGTTTCTCCAGAAAATTT-3'
Protein context (NP_689777.3, residues 1659-1679): AILTPVLTDF[Ser1669Phe]VRITGAPAVI